The following is an entry in ClinVar:

ClinVar aggregate classification (germline): Conflicting classifications of pathogenicity. Review status: criteria provided, conflicting classifications (1 of 4 stars). 3 submissions from 3 submitters: Uncertain significance (2); Likely benign (1). Last evaluated 2025-10-27.

Conditions:
Microcephaly 7, primary, autosomal recessive. Identifiers: Orphanet 2512, MedGen C2675187, MONDO:0012989, OMIM 612703.

Allele frequency attached by ClinVar (database versions not stated): gnomAD exomes 0.00003 and 0.00004; gnomAD 0.00004 and 0.00005; TOPMed 0.00005; ExAC 0.00006; ESP Exome Variant Server 0.00008.
gnomAD v4.1: 58 of 1,613,598 alleles (0.0036%); highest among the groups gnomAD compares: South Asian, 0.013%; no homozygotes.

Submissions (3):

Labcorp Genetics (formerly Invitae), Labcorp
Classification: Uncertain significance. Last evaluated: 2025-10-27. Review status: criteria provided, single submitter. Criteria: Invitae Variant Classification Sherloc (09022015). Collection method: clinical testing. Allele origin: germline.
Comment: This sequence change replaces arginine, which is basic and polar, with histidine, which is basic and polar, at codon 1279 of the STIL protein (p.Arg1279His). This variant is present in population databases (rs372680224, gnomAD 0.007%). This variant has not been reported in the literature in individuals affected with STIL-related conditions. ClinVar contains an entry for this variant (Variation ID: 876679). An algorithm developed to predict the effect of missense changes on protein structure and function outputs the following: PolyPhen-2: "Benign". The histidine amino acid residue is found in multiple mammalian species, which suggests that this missense change does not adversely affect protein function. This variant disrupts the p.Arg1279 amino acid residue in STIL. Other variant(s) that disrupt this residue have been determined to be pathogenic (PMID: 24986681, 26633542, 33132204). This suggests that this residue is clinically significant, and that variants that disrupt this residue are likely to be disease-causing. In summary, the available evidence is currently insufficient to determine the role of this variant in disease. Therefore, it has been classified as a Variant of Uncertain Significance.

3billion
Classification: Likely benign for Microcephaly 7, primary, autosomal recessive. Last evaluated: 2024-09-20. Review status: criteria provided, single submitter. Criteria: ACMG Guidelines, 2015. Collection method: clinical testing. Allele origin: germline. Affected: no.
Comment: The homozygous variant was found in patients diagnosed with another variant in a different gene, with no symptoms related to the gene containing the homozygous variant.

Illumina Laboratory Services, Illumina
Classification: Uncertain significance for Microcephaly 7, primary, autosomal recessive. Last evaluated: 2017-04-27. Review status: criteria provided, single submitter. Criteria: ICSL Variant Classification Criteria 13 December 2019. Collection method: clinical testing. Allele origin: germline.

Literature cited by the submitters: PubMed 24986681 (cited by Labcorp Genetics (formerly Invitae), Labcorp); PubMed 26633542 (cited by Labcorp Genetics (formerly Invitae), Labcorp); PubMed 33132204 (cited by Labcorp Genetics (formerly Invitae), Labcorp).

NM_001048166.1(STIL):c.3839G>A (p.Arg1280His)

Gene: STIL (STIL centriolar assembly protein; minus strand). Cytogenetic location: 1p33.
Variant type: single nucleotide variant.
Coding change: c.3839G>A on transcript NM_001048166.1 (MANE Select); coding-DNA position 3839, G replaced by A.
Protein change: p.Arg1280His; replaces arginine 1280 with histidine.
Molecular consequence: missense variant.
Genome position (GRCh38, 1-based): chr1:47,251,164, C>T on the plus strand (G>A on the coding strand, the complement: STIL is on the minus strand). VCF-style: chr1-47251164-C-T. GRCh37 (hg19) VCF-style: chr1-47716836-C-T.
Other names: c.3836G>A, p.Arg1279His (NM_001282936.1, NM_003035.2); c.3785G>A, p.Arg1262His (NM_001282937.1); c.3698G>A, p.Arg1233His (NM_001282938.1, NM_001377417.1); c.3644G>A, p.Arg1215His (NM_001282939.1); short protein forms R1262H, R1215H, R1279H, R1280H, R1233H.
Identifiers: ClinVar variation 876679 (VCV000876679.9), dbSNP rs372680224, ClinGen allele CA841909.